The following is an entry in ClinVar:

NC_000002.11:g.(?_220144556)_(220150719_?)dup

Gene: DNAJB2 (DnaJ heat shock protein family (Hsp40) member B2; plus strand). Cytogenetic location: 2q35.
Variant type: Duplication.
Identifiers: ClinVar variation 2423544 (VCV002423544.5).

ClinVar aggregate classification (germline): Uncertain significance (1 of 4 stars; one submission).

Conditions:
Neuronopathy, distal hereditary motor, autosomal recessive 5. Also called: Young adult-onset distal hereditary motor neuropathy; Spinal muscular atrophy, distal, autosomal recessive, 5; NEUROPATHY, DISTAL HEREDITARY MOTOR, AUTOSOMAL RECESSIVE 5. Identifiers: Orphanet 314485, Orphanet 443950, MedGen C4749918, MONDO:0013947, OMIM 614881.

Submission:

Labcorp Genetics (formerly Invitae), Labcorp
Classification: Uncertain significance for Neuronopathy, distal hereditary motor, autosomal recessive 5. Last evaluated: 2022-01-28. Review status: criteria provided, single submitter. Criteria: Invitae Variant Classification Sherloc (09022015). Collection method: clinical testing. Allele origin: germline.
Comment: In summary, the available evidence is currently insufficient to determine the role of this variant in disease. Therefore, it has been classified as a Variant of Uncertain Significance. This variant has not been reported in the literature in individuals affected with DNAJB2-related conditions. A copy number gain of the genomic region encompassing the full coding sequence of the DNAJB2 gene has been identified. The boundaries of this event are unknown as they extend beyond the assayed region for this gene and therefore may encompass additional genes. As the precise location of this event is unknown, it may be in tandem or it may be located elsewhere in the genome.